The following is an entry in ClinVar:

NM_013254.4(TBK1):c.1070G>A (p.Arg357Gln)

Gene: TBK1 (TANK binding kinase 1; plus strand). Cytogenetic location: 12q14.2.
Variant type: single nucleotide variant.
Coding change: c.1070G>A on transcript NM_013254.4 (MANE Select); coding-DNA position 1070, G replaced by A.
Protein change: p.Arg357Gln; replaces arginine 357 with glutamine.
Molecular consequence: missense variant.
Genome position (GRCh38, 1-based): chr12:64,484,380, G>A. VCF-style: chr12-64484380-G-A. GRCh37 (hg19) VCF-style: chr12-64878160-G-A.
Other names: short protein forms R357Q.
Identifiers: ClinVar variation 1453239 (VCV001453239.9), dbSNP rs758357594, ClinGen allele CA6668963.
Genomic context (GRCh38, chr12:64,484,380, plus strand): 5'-AACTGGTATATAAACAAACCAAAATTATTTCTTCAAATCAAGAACTTATCTACGAAGGGC[G>A]ACGCTTAGTCTTAGAACCTGGAAGGCTGGCACAACATTTCCCTAAAACTACTGAGGAAAA-3'
Protein context (NP_037386.1, residues 347-367): SSNQELIYEG[Arg357Gln]RLVLEPGRLA

ClinVar aggregate classification (germline): Pathogenic/Likely pathogenic. Review status: criteria provided, multiple submitters, no conflicts (2 of 4 stars). 2 submissions from 2 submitters: Pathogenic (1); Likely pathogenic (1). Last evaluated 2026-07-17.

Conditions:
Frontotemporal dementia and/or amyotrophic lateral sclerosis 4. Also called: FTDALS4. Identifiers: Orphanet 275872, MedGen C4225325, MONDO:0014641, OMIM 616439.

Allele frequency attached by ClinVar (database versions not stated): gnomAD exomes 0.00002 and 0.00001; TOPMed below 0.00001; ExAC 0.00001.
gnomAD v4.1: 9 of 1,613,944 alleles (0.00056%); highest among the groups gnomAD compares: Non-Finnish European, 0.00076%; no homozygotes.

Submissions (2):

Clinical Genetics Laboratory, Skane University Hospital Lund
Classification: Likely pathogenic for Frontotemporal dementia and/or amyotrophic lateral sclerosis 4. Last evaluated: 2026-07-17. Review status: criteria provided, single submitter. Criteria: ACMG Guidelines, 2015. Collection method: clinical testing. Allele origin: germline. Affected: yes.
Comment: TBK1 (NM_013254.4) c.1070G>A, p.(Arg357Gln) involves a nucleotide substitution in exon 9 of 21, resulting in the aforementioned amino acid exchange. The variant is located within a functionally important domain of the protein (PMID: 17599067). TBK1 c.1070G>A has previously been detected at a low allele frequency in the general population and is reported as pathogenic in the ClinVar database (Accession: VCV001453239.8). This variant has been identified in individuals with ALS, and functional studies have demonstrated a damaging effect on protein function (PMID: 25803835, 28822984, 31748271, 34099552). The variant has been classified as likely pathogenic based on the following ACMG criteria: PS3_Moderate, PS4_Supporting, PM1, PM2_Supporting.

Labcorp Genetics (formerly Invitae), Labcorp
Classification: Pathogenic for Frontotemporal dementia and/or amyotrophic lateral sclerosis 4. Last evaluated: 2026-01-06. Review status: criteria provided, single submitter. Criteria: Invitae Variant Classification Sherloc (09022015). Collection method: clinical testing. Allele origin: germline.
Comment: This sequence change replaces arginine, which is basic and polar, with glutamine, which is neutral and polar, at codon 357 of the TBK1 protein (p.Arg357Gln). This variant is present in population databases (rs758357594, gnomAD 0.004%). This missense change has been observed in individuals with amyotrophic lateral sclerosis (PMID: 25803835, 28822984, 30033073, 31000212). ClinVar contains an entry for this variant (Variation ID: 1453239). Invitae Evidence Modeling of protein sequence and biophysical properties (such as structural, functional, and spatial information, amino acid conservation, physicochemical variation, residue mobility, and thermodynamic stability) indicates that this missense variant is not expected to disrupt TBK1 protein function with a negative predictive value of 95%. Experimental studies have shown that this missense change affects TBK1 function (PMID: 25803835, 28822984). For these reasons, this variant has been classified as Pathogenic.

Literature cited by the submitters: PubMed 25803835 (cited by Labcorp Genetics (formerly Invitae), Labcorp); PubMed 28822984 (cited by Labcorp Genetics (formerly Invitae), Labcorp); PubMed 30033073 (cited by Labcorp Genetics (formerly Invitae), Labcorp); PubMed 31000212 (cited by Labcorp Genetics (formerly Invitae), Labcorp).